The following is an entry in ClinVar:

ClinVar aggregate classification (germline): Benign/Likely benign. Review status: criteria provided, multiple submitters, no conflicts (2 of 4 stars). 4 submissions from 4 submitters: Benign (2); Likely benign (2). Last evaluated 2025-11-03.

Conditions:
Loeys-Dietz syndrome 2 (LDS2). Also called: TGFBR2-Related Loeys-Dietz Syndrome; Marfan Syndrome type 2; Marfan like connective tissue disorder; MFS 2; AORTIC ANEURYSM, FAMILIAL THORACIC 3; MARFAN SYNDROME, TYPE II. Identifiers: Orphanet 284973, Orphanet 558, MedGen C2674574, MONDO:0012427, OMIM 610168.

Allele frequency attached by ClinVar (database versions not stated): gnomAD below 0.00001 and 0.00021; TOPMed 0.00005; gnomAD exomes 0.00040 and 0.00086; ExAC 0.00097; 1000 Genomes Project 30x 0.00187; 1000 Genomes Project 0.00240.
gnomAD v4.1: 616 of 1,613,908 alleles (0.038%); highest among the groups gnomAD compares: South Asian, 0.64%; 9 homozygotes.

Submissions (4):

Labcorp Genetics (formerly Invitae), Labcorp
Classification: Benign for Loeys-Dietz syndrome 2. Last evaluated: 2025-11-03. Review status: criteria provided, single submitter. Criteria: Invitae Variant Classification Sherloc (09022015). Collection method: clinical testing. Allele origin: germline.

Ambry Genetics
Classification: Likely benign. Last evaluated: 2023-04-17. Review status: criteria provided, single submitter. Criteria: Ambry Variant Classification Scheme 2023. Collection method: clinical testing. Allele origin: germline.

GeneDx
Classification: Benign. Last evaluated: 2016-07-06. Review status: criteria provided, single submitter. Criteria: GeneDx Variant Classification (06012015). Collection method: clinical testing. Allele origin: germline. Affected: yes.
Comment: This variant is considered likely benign or benign based on one or more of the following criteria: it is a conservative change, it occurs at a poorly conserved position in the protein, it is predicted to be benign by multiple in silico algorithms, and/or has population frequency not consistent with disease.

Laboratory for Molecular Medicine, Mass General Brigham Personalized Medicine
Classification: Likely benign. Last evaluated: 2012-08-21. Review status: criteria provided, single submitter. Criteria: LMM Criteria. Collection method: clinical testing. Allele origin: germline. Observed: 1 variant allele.
Comment: Gly132Gly in exon 2 of TMPO: This variant is not expected to have clinical signi ficance because it does not alter an amino acid residue and is not located withi n the splice consensus sequence. Gly132Gly in exon 2 of TMPO (allele frequency = n/a)

NM_001032283.3(TMPO):c.396T>A (p.Gly132=)

Gene: TMPO (thymopoietin; plus strand). Cytogenetic location: 12q23.1.
Variant type: single nucleotide variant.
Coding change: c.396T>A on transcript NM_001032283.3 (MANE Select); coding-DNA position 396, T replaced by A.
Protein change: p.Gly132=; no amino-acid change (glycine 132 retained).
Molecular consequence: synonymous variant.
Genome position (GRCh38, 1-based): chr12:98,528,002, T>A. VCF-style: chr12-98528002-T-A. GRCh37 (hg19) VCF-style: chr12-98921780-T-A.
Other names: c.396T>A, p.Gly132= (NM_001032284.3, NM_001307975.2, NM_003276.2).
Identifiers: ClinVar variation 44671 (VCV000044671.18), dbSNP rs397516844, ClinGen allele CA134822.